The following is an entry in ClinVar:

NM_001358530.2(MOCS1):c.22C>T (p.Arg8Trp)

Gene: MOCS1 (molybdenum cofactor synthesis 1; minus strand). Cytogenetic location: 6p21.2.
Variant type: single nucleotide variant.
Coding change: c.22C>T on transcript NM_001358530.2 (MANE Select); coding-DNA position 22, C replaced by T.
Protein change: p.Arg8Trp; replaces arginine 8 with tryptophan.
Molecular consequence: missense variant. On other transcripts: 5 prime UTR variant (2), non-coding transcript variant (1).
Genome position (GRCh38, 1-based): chr6:39,934,396, G>A on the plus strand (C>T on the coding strand, the complement: MOCS1 is on the minus strand). VCF-style: chr6-39934396-G-A. GRCh37 (hg19) VCF-style: chr6-39902135-G-A.
Other names: c.22C>T, p.Arg8Trp (NM_001075098.4, NM_001358529.2); c.-113C>T (NM_001358531.2, NM_001358533.2); short protein forms R8W.
Identifiers: ClinVar variation 2876167 (VCV002876167.3), dbSNP rs1026747618, ClinGen allele CA137623386.

ClinVar aggregate classification (germline): Uncertain significance. Review status: criteria provided, multiple submitters, no conflicts (2 of 4 stars). 2 submissions from 2 submitters: Uncertain significance (2). Last evaluated 2024-08-19.

Conditions:
Sulfite oxidase deficiency due to molybdenum cofactor deficiency type A. Also called: Molybdenum Cofactor Deficiency A; Molybdenum cofactor deficiency, complementation group A. Identifiers: Orphanet 308386, Orphanet 833, MedGen C1854988, MONDO:0009643, OMIM 252150.

Allele frequency attached by ClinVar (database versions not stated): gnomAD exomes 0.00003.
gnomAD v4.1: 40 of 1,565,218 alleles (0.0026%); highest among the groups gnomAD compares: Non-Finnish European, 0.0029%; no homozygotes.

Submissions (2):

Labcorp Genetics (formerly Invitae), Labcorp
Classification: Uncertain significance for Sulfite oxidase deficiency due to molybdenum cofactor deficiency type A. Last evaluated: 2024-08-19. Review status: criteria provided, single submitter. Criteria: Invitae Variant Classification Sherloc (09022015). Collection method: clinical testing. Allele origin: germline.
Comment: This sequence change replaces arginine, which is basic and polar, with tryptophan, which is neutral and slightly polar, at codon 8 of the MOCS1 protein (p.Arg8Trp). This variant is present in population databases (no rsID available, gnomAD 0.006%). This variant has not been reported in the literature in individuals affected with MOCS1-related conditions. Experimental studies and prediction algorithms are not available or were not evaluated, and the functional significance of this variant is currently unknown. In summary, the available evidence is currently insufficient to determine the role of this variant in disease. Therefore, it has been classified as a Variant of Uncertain Significance.

GeneDx
Classification: Uncertain significance. Last evaluated: 2024-02-20. Review status: criteria provided, single submitter. Criteria: GeneDx Variant Classification Process June 2021. Collection method: clinical testing. Allele origin: germline. Affected: yes.
Comment: Not observed at significant frequency in large population cohorts (gnomAD); In silico analysis supports that this missense variant does not alter protein structure/function; Has not been previously published as pathogenic or benign to our knowledge; Reported using an alternate transcript of the gene